The following is an entry in ClinVar:

NM_001142864.4(PIEZO1):c.2908G>C (p.Gly970Arg)

Genes: HSALR1 (HSP90AB1 associated lncRNA 1; plus strand), PIEZO1 (piezo type mechanosensitive ion channel component 1 (Er blood group); minus strand). Cytogenetic location: 16q24.3.
Variant type: single nucleotide variant.
Coding change: c.2908G>C on transcript NM_001142864.4 (MANE Select); coding-DNA position 2908, G replaced by C.
Protein change: p.Gly970Arg; replaces glycine 970 with arginine.
Molecular consequence: missense variant.
Genome position (GRCh38, 1-based): chr16:88,732,418, C>G on the plus strand (G>C on the coding strand, the complement: PIEZO1 is on the minus strand). VCF-style: chr16-88732418-C-G. GRCh37 (hg19) VCF-style: chr16-88798826-C-G.
Other names: short protein forms G970R.
Identifiers: ClinVar variation 1305720 (VCV001305720.2), dbSNP rs964534644, ClinGen allele CA397109811.

ClinVar aggregate classification (germline): Uncertain significance (1 of 4 stars; one submission).

gnomAD v4.1: 1 of 1,549,758 alleles (0.000065%); highest among the groups gnomAD compares: Non-Finnish European, 0.000087%; no homozygotes.

Submission:

GeneDx
Classification: Uncertain significance. Last evaluated: 2019-05-15. Review status: criteria provided, single submitter. Criteria: GeneDx Variant Classification Process June 2021. Collection method: clinical testing. Allele origin: germline. Affected: yes.
Comment: Not observed in large population cohorts (Lek et al., 2016); In silico analysis, which includes protein predictors and evolutionary conservation, supports that this variant does not alter protein structure/function; Has not been previously published as pathogenic or benign to our knowledge